The following is an entry in ClinVar:

ClinVar aggregate classification (germline): Uncertain significance (1 of 4 stars; one submission).

Conditions:
Developmental and epileptic encephalopathy, 9 (DEE9). Also called: EPILEPSY, FEMALE-RESTRICTED, WITH MENTAL RETARDATION; JUBERG-HELLMAN SYNDROME; PCDH19-Related X-Linked Female-Limited Epilepsy with Mental Retardation; Early infantile epileptic encephalopathy 9. Identifiers: Orphanet 101039, Orphanet 2076, MedGen C1848137, MONDO:0010246, OMIM 300088. Disease mechanism: loss of function.

Submission:

Dasa
Classification: Uncertain significance for Developmental and epileptic encephalopathy, 9. Last evaluated: 2025-05-30. Review status: criteria provided, single submitter. Criteria: DASA Assertion Criteria. Collection method: clinical testing. Allele origin: germline.
Comment: NM_001184880.2(PCDH19):c.830T>C (p.Phe277Ser) is a missense variant that results in the substitution of phenylalanine with serine. This variant is absent from population databases. Computational prediction algorithms are consistent with a deleterious effect. The currently available literature and clinical evidence are not sufficient to establish a definitive association between this variant and the reported condition. Therefore, this variant is classified as a variant of uncertain significance.

NM_001184880.2(PCDH19):c.830T>C (p.Phe277Ser)

Gene: PCDH19 (protocadherin 19; minus strand). Cytogenetic location: Xq22.1.
Variant type: single nucleotide variant.
Coding change: c.830T>C on transcript NM_001184880.2 (MANE Select); coding-DNA position 830, T replaced by C.
Protein change: p.Phe277Ser; replaces phenylalanine 277 with serine.
Molecular consequence: missense variant.
Genome position (GRCh38, 1-based): chrX:100,407,768, A>G on the plus strand (T>C on the coding strand, the complement: PCDH19 is on the minus strand). VCF-style: chrX-100407768-A-G. GRCh37 (hg19) VCF-style: chrX-99662766-A-G.
Other names: c.830T>C, p.Phe277Ser (NM_001105243.2, NM_020766.3); short protein forms F277S.
Identifiers: ClinVar variation 4882393 (VCV004882393.2).